The following is an entry in ClinVar:

ClinVar aggregate classification (germline): Uncertain significance (1 of 4 stars; one submission).

Conditions:
Hereditary cancer-predisposing syndrome. Also called: Neoplastic Syndromes, Hereditary; Tumor predisposition; Hereditary Cancer Syndrome; Hereditary neoplastic syndrome. Identifiers: Orphanet 140162, MedGen C0027672, MeSH D009386, MONDO:0015356.

Submission:

Ambry Genetics
Classification: Uncertain significance for Hereditary cancer-predisposing syndrome. Last evaluated: 2026-03-26. Review status: criteria provided, single submitter. Criteria: Ambry Variant Classification Scheme 2023. Collection method: clinical testing. Allele origin: germline.
Comment: The p.I909M variant (also known as c.2727C>G), located in coding exon 19 of the PDGFRA gene, results from a C to G substitution at nucleotide position 2727. The isoleucine at codon 909 is replaced by methionine, an amino acid with highly similar properties. This amino acid position is conserved. In addition, the in silico prediction for this alteration is inconclusive. Based on the available evidence, the clinical significance of this variant remains unclear.

NM_006206.6(PDGFRA):c.2727C>G (p.Ile909Met)

Gene: PDGFRA (platelet derived growth factor receptor alpha; plus strand). Cytogenetic location: 4q12.
Variant type: single nucleotide variant.
Coding change: c.2727C>G on transcript NM_006206.6 (MANE Select); coding-DNA position 2727, C replaced by G.
Protein change: p.Ile909Met; replaces isoleucine 909 with methionine.
Molecular consequence: missense variant.
Genome position (GRCh38, 1-based): chr4:54,288,851, C>G. VCF-style: chr4-54288851-C-G. GRCh37 (hg19) VCF-style: chr4-55155018-C-G.
Other names: c.2802C>G, p.Ile934Met (NM_001347828.2); c.2727C>G, p.Ile909Met (NM_001347829.2); c.2766C>G, p.Ile922Met (NM_001347830.2); short protein forms I909M, I922M, I934M.
Identifiers: ClinVar variation 4861723 (VCV004861723.1).